The following is an entry in ClinVar:

NM_004260.4(RECQL4):c.2790C>G (p.His930Gln)

Gene: RECQL4 (RecQ like helicase 4; minus strand). Cytogenetic location: 8q24.3.
Variant type: single nucleotide variant.
Coding change: c.2790C>G on transcript NM_004260.4 (MANE Select); coding-DNA position 2790, C replaced by G.
Protein change: p.His930Gln; replaces histidine 930 with glutamine.
Molecular consequence: missense variant.
Genome position (GRCh38, 1-based): chr8:144,512,737, G>C on the plus strand (C>G on the coding strand, the complement: RECQL4 is on the minus strand). VCF-style: chr8-144512737-G-C. GRCh37 (hg19) VCF-style: chr8-145738120-G-C.
Other names: c.2496C>G, p.His832Gln (NM_001413017.1); c.2592C>G, p.His864Gln (NM_001413018.1); c.2865C>G, p.His955Gln (NM_001413019.1); c.2694C>G, p.His898Gln (NM_001413020.1); c.1719C>G, p.His573Gln (NM_001413021.1, NM_001413022.1, NM_001413024.1 and 4 more transcripts); c.1794C>G, p.His598Gln (NM_001413023.1); c.2661C>G, p.His887Gln (NM_001413025.1); c.1653C>G, p.His551Gln (NM_001413027.1, NM_001413030.1, NM_001413032.1); and 9 more; short protein forms H529Q, H563Q, H576Q, H930Q, H507Q, H813Q, H920Q, H955Q.
Identifiers: ClinVar variation 1998525 (VCV001998525.4), dbSNP rs2130667286, ClinGen allele CA372674444.

ClinVar aggregate classification (germline): Uncertain significance (1 of 4 stars; one submission).

Conditions:
Baller-Gerold syndrome (BGS). Also called: CRANIOSYNOSTOSIS WITH RADIAL DEFECTS. Identifiers: Orphanet 1225, MedGen C0265308, MONDO:0009039, OMIM 218600.

Submission:

Labcorp Genetics (formerly Invitae), Labcorp
Classification: Uncertain significance for Baller-Gerold syndrome. Last evaluated: 2022-05-31. Review status: criteria provided, single submitter. Criteria: Invitae Variant Classification Sherloc (09022015). Collection method: clinical testing. Allele origin: germline.
Comment: This sequence change replaces histidine, which is basic and polar, with glutamine, which is neutral and polar, at codon 930 of the RECQL4 protein (p.His930Gln). This variant is not present in population databases (gnomAD no frequency). This variant has not been reported in the literature in individuals affected with RECQL4-related conditions. Experimental studies and prediction algorithms are not available or were not evaluated, and the functional significance of this variant is currently unknown. In summary, the available evidence is currently insufficient to determine the role of this variant in disease. Therefore, it has been classified as a Variant of Uncertain Significance.